The following is an entry in ClinVar:

ClinVar aggregate classification (germline): Uncertain significance (1 of 4 stars; one submission).

gnomAD v4.1: 1 of 1,613,078 alleles (0.000062%); highest among the groups gnomAD compares: Non-Finnish European, 0.000085%; no homozygotes.

Submission:

GeneDx
Classification: Uncertain significance. Last evaluated: 2025-02-21. Review status: criteria provided, single submitter. Criteria: GeneDx Variant Classification Process June 2021. Collection method: clinical testing. Allele origin: germline. Affected: yes.
Comment: Not observed at significant frequency in large population cohorts (gnomAD); In silico analysis supports that this missense variant has a deleterious effect on protein structure/function; Has not been previously published as pathogenic or benign to our knowledge

NM_002471.4(MYH6):c.4238G>T (p.Cys1413Phe)

Gene: MYH6 (myosin heavy chain 6; minus strand). Cytogenetic location: 14q11.2.
Variant type: single nucleotide variant.
Coding change: c.4238G>T on transcript NM_002471.4 (MANE Select); coding-DNA position 4238, G replaced by T.
Protein change: p.Cys1413Phe; replaces cysteine 1413 with phenylalanine.
Molecular consequence: missense variant.
Genome position (GRCh38, 1-based): chr14:23,388,276, C>A on the plus strand (G>T on the coding strand, the complement: MYH6 is on the minus strand). VCF-style: chr14-23388276-C-A. GRCh37 (hg19) VCF-style: chr14-23857485-C-A.
Other names: short protein forms C1413F.
Identifiers: ClinVar variation 4076925 (VCV004076925.1).